The following is an entry in ClinVar:

ClinVar aggregate classification (germline): Uncertain significance (1 of 4 stars; one submission).

Conditions:
Facioscapulohumeral muscular dystrophy 2 (FSHD2). Also called: FACIOSCAPULOHUMERAL MUSCULAR DYSTROPHY 2, DIGENIC; MUSCULAR DYSTROPHY, FACIOSCAPULOHUMERAL, TYPE 1B; FSHD2, DIGENIC. Identifiers: Orphanet 269, MedGen C1834671, MONDO:0008031, OMIM 158901.

Submission:

Labcorp Genetics (formerly Invitae), Labcorp
Classification: Uncertain significance for Facioscapulohumeral muscular dystrophy 2. Last evaluated: 2022-09-15. Review status: criteria provided, single submitter. Criteria: Invitae Variant Classification Sherloc (09022015). Collection method: clinical testing. Allele origin: germline.
Comment: In summary, the available evidence is currently insufficient to determine the role of this variant in disease. Therefore, it has been classified as a Variant of Uncertain Significance. Advanced modeling of protein sequence and biophysical properties (such as structural, functional, and spatial information, amino acid conservation, physicochemical variation, residue mobility, and thermodynamic stability) performed at Invitae indicates that this missense variant is not expected to disrupt SMCHD1 protein function. This variant has not been reported in the literature in individuals affected with SMCHD1-related conditions. This variant is not present in population databases (gnomAD no frequency). This sequence change replaces arginine, which is basic and polar, with serine, which is neutral and polar, at codon 1324 of the SMCHD1 protein (p.Arg1324Ser).

NM_015295.3(SMCHD1):c.3972G>T (p.Arg1324Ser)

Gene: SMCHD1 (structural maintenance of chromosomes flexible hinge domain containing 1; plus strand). Cytogenetic location: 18p11.32.
Variant type: single nucleotide variant.
Coding change: c.3972G>T on transcript NM_015295.3 (MANE Select); coding-DNA position 3972, G replaced by T.
Protein change: p.Arg1324Ser; replaces arginine 1324 with serine.
Molecular consequence: missense variant.
Genome position (GRCh38, 1-based): chr18:2,750,087, G>T. VCF-style: chr18-2750087-G-T. GRCh37 (hg19) VCF-style: chr18-2750085-G-T.
Other names: short protein forms R1324S.
Identifiers: ClinVar variation 1719496 (VCV001719496.5), dbSNP rs2510120684, ClinGen allele CA401691515.